The following is an entry in ClinVar:

ClinVar aggregate classification (germline): Uncertain significance (1 of 4 stars; one submission).

Conditions:
Developmental and epileptic encephalopathy, 8 (DEE8). Also called: HYPEREKPLEXIA AND EPILEPSY. Identifiers: Orphanet 163985, Orphanet 2076, MedGen C1845102, MONDO:0010375, OMIM 300607.

Submission:

Labcorp Genetics (formerly Invitae), Labcorp
Classification: Uncertain significance for Developmental and epileptic encephalopathy, 8. Last evaluated: 2025-11-17. Review status: criteria provided, single submitter. Criteria: Invitae Variant Classification Sherloc (09022015). Collection method: clinical testing. Allele origin: germline.
Comment: The ARHGEF9 gene has multiple clinically relevant transcripts. This variant occurs in alternate transcript NM_001173479.1, and corresponds to NM_015185.2:c.-30811C>T in the primary transcript. This sequence change replaces serine, which is neutral and polar, with leucine, which is neutral and non-polar, at codon 8 of the ARHGEF9 protein (p.Ser8Leu). This variant is not present in population databases (gnomAD no frequency). This variant has not been reported in the literature in individuals affected with ARHGEF9-related conditions. Experimental studies and prediction algorithms are not available or were not evaluated, and the functional significance of this variant is currently unknown. In summary, the available evidence is currently insufficient to determine the role of this variant in disease. Therefore, it has been classified as a Variant of Uncertain Significance.

NM_001353921.2(ARHGEF9):c.23C>T (p.Ser8Leu)

Gene: ARHGEF9 (Cdc42 guanine nucleotide exchange factor 9; minus strand). Cytogenetic location: Xq11.1.
Variant type: single nucleotide variant.
Coding change: c.23C>T on transcript NM_001353921.2 (MANE Select); coding-DNA position 23, C replaced by T.
Protein change: p.Ser8Leu; replaces serine 8 with leucine.
Molecular consequence: missense variant. On other transcripts: 5 prime UTR variant (2).
Genome position (GRCh38, 1-based): chrX:63,785,123, G>A on the plus strand (C>T on the coding strand, the complement: ARHGEF9 is on the minus strand). VCF-style: chrX-63785123-G-A. GRCh37 (hg19) VCF-style: chrX-63005003-G-A.
Other names: c.23C>T, p.Ser8Leu (NM_001173479.2, NM_001353922.2); c.-139C>T (NM_001330495.2, NM_001369043.1); short protein forms S8L.
Identifiers: ClinVar variation 3692405 (VCV003692405.2).
Genomic context (GRCh38, chrX:63,785,123, plus strand): 5'-GGCTGGGGGACTGAGAGGCTCAAGCAAGGGAAGCCAAGGTTACATGCACTCACCATTCCC[G>A]ATCCGCCCCTTATCCACTGCATGGTGCTTGCGAAGTCCGGCTTCTCTGAGGCCCCGTAGC-3'
Protein context (NP_001340850.1, residues 1-18): MQWIRGG[Ser8Leu]GMLITGDSIV